The following is an entry in ClinVar:

ClinVar aggregate classification (germline): Pathogenic (1 of 4 stars; one submission).

Conditions:
Fabry disease. Also called: ALPHA-GALACTOSIDASE A DEFICIENCY; ANDERSON-FABRY DISEASE; CERAMIDE TRIHEXOSIDASE DEFICIENCY; GLA DEFICIENCY; HEREDITARY DYSTOPIC LIPIDOSIS; Angiokeratoma corporis diffusum. Identifiers: Orphanet 324, MedGen C0002986, MONDO:0010526, OMIM 301500, HP:0001071. Disease mechanism: Fabry disease is due to inactivating mutations in the X-linked GLA gene resulting in deficiency of the enzyme Alpha Galactosidase-A., loss of function.

Submission:

Genomenon, Inc
Classification: Pathogenic for Fabry disease. Last evaluated: 2026-09-08. Review status: criteria provided, single submitter. Criteria: Genomenon Sequence Variant Interpretation Standards - Updated. Collection method: curation. Allele origin: germline. Affected: yes.
Comment: GLA p.Gly132Glu (c.395G>A) is a missense variant that changes the amino acid at codon 132 from Glycine to Glutamic acid. This variant has been observed in at least one proband with clinical features consistent with Fabry disease (PMID:40784937;31996269;29984754). At least one functional study has demonstrated a substantial alteration in protein function relative to the wild-type (PMID:32023956;27657681). This variant is located in a mutational hotspot and/or important functional domain. It is absent or not present at a significant frequency in gnomAD. In silico models predict that this variant is possibly or probably damaging. In conclusion, we classify GLA p.Gly132Glu (c.395G>A) as a pathogenic variant.

Literature cited by the submitters: PubMed 40784937; PubMed 31996269; PubMed 29984754; PubMed 32023956; PubMed 27657681.

NM_000169.3(GLA):c.395G>A (p.Gly132Glu)

Genes: GLA (galactosidase alpha; minus strand), RPL36A-HNRNPH2 (RPL36A-HNRNPH2 readthrough; plus strand). Cytogenetic location: Xq22.1.
Variant type: single nucleotide variant.
Coding change: c.395G>A on transcript NM_000169.3 (MANE Select); coding-DNA position 395, G replaced by A.
Protein change: p.Gly132Glu; replaces glycine 132 with glutamic acid.
Molecular consequence: missense variant. On other transcripts: non-coding transcript variant (3), intron variant (2).
Genome position (GRCh38, 1-based): chrX:101,401,784, C>T on the plus strand (G>A on the coding strand, the complement: GLA is on the minus strand). VCF-style: chrX-101401784-C-T. GRCh37 (hg19) VCF-style: chrX-100656772-C-T.
Other names: c.518G>A, p.Gly173Glu (NM_001406747.1, NM_001406749.1); c.395G>A, p.Gly132Glu (NM_001406748.1); c.300+6327C>T (NM_001199973.2); c.177+9962C>T (NM_001199974.2); short protein forms G132E, G173E.
Identifiers: ClinVar variation 4087357 (VCV004087357.2).